The following is an entry in ClinVar:

NM_003412.4(ZIC1):c.608A>G (p.Asn203Ser)

Gene: ZIC1 (Zic family zinc finger 1; plus strand). Cytogenetic location: 3q24.
Variant type: single nucleotide variant.
Coding change: c.608A>G on transcript NM_003412.4 (MANE Select); coding-DNA position 608, A replaced by G.
Protein change: p.Asn203Ser; replaces asparagine 203 with serine.
Molecular consequence: missense variant.
Genome position (GRCh38, 1-based): chr3:147,410,720, A>G. VCF-style: chr3-147410720-A-G. GRCh37 (hg19) VCF-style: chr3-147128507-A-G.
Other names: short protein forms N203S.
Identifiers: ClinVar variation 1462372 (VCV001462372.8), dbSNP rs1461423275, ClinGen allele CA354897063.

ClinVar aggregate classification (germline): Uncertain significance (1 of 4 stars; one submission).

Allele frequency attached by ClinVar (database versions not stated): TOPMed below 0.00001; gnomAD 0.00001; gnomAD exomes 0.00001.
gnomAD v4.1: 10 of 1,613,902 alleles (0.00062%); highest among the groups gnomAD compares: Non-Finnish European, 0.00076%; no homozygotes.

Submission:

Labcorp Genetics (formerly Invitae), Labcorp
Classification: Uncertain significance. Last evaluated: 2022-10-15. Review status: criteria provided, single submitter. Criteria: Invitae Variant Classification Sherloc (09022015). Collection method: clinical testing. Allele origin: germline.
Comment: This variant is not present in population databases (gnomAD no frequency). This variant has not been reported in the literature in individuals affected with ZIC1-related conditions. ClinVar contains an entry for this variant (Variation ID: 1462372). Advanced modeling of protein sequence and biophysical properties (such as structural, functional, and spatial information, amino acid conservation, physicochemical variation, residue mobility, and thermodynamic stability) performed at Invitae indicates that this missense variant is not expected to disrupt ZIC1 protein function. This sequence change replaces asparagine, which is neutral and polar, with serine, which is neutral and polar, at codon 203 of the ZIC1 protein (p.Asn203Ser). In summary, the available evidence is currently insufficient to determine the role of this variant in disease. Therefore, it has been classified as a Variant of Uncertain Significance.